The following is an entry in ClinVar:

NM_000243.3(MEFV):c.1261-18C>G

Gene: MEFV (MEFV innate immunity regulator, pyrin; minus strand). Cytogenetic location: 16p13.3.
Variant type: single nucleotide variant.
Coding change: c.1261-18C>G on transcript NM_000243.3 (MANE Select); 18 bases into the intron before coding-DNA position 1261, C replaced by G.
Molecular consequence: intron variant.
Genome position (GRCh38, 1-based): chr16:3,249,022, G>C on the plus strand (C>G on the coding strand, the complement: MEFV is on the minus strand). VCF-style: chr16-3249022-G-C. GRCh37 (hg19) VCF-style: chr16-3299022-G-C.
Other names: c.628-18C>G (NM_001198536.2).
Identifiers: ClinVar variation 4749397 (VCV004749397.1).

ClinVar aggregate classification (germline): Uncertain significance (1 of 4 stars; one submission).

Conditions:
Familial Mediterranean fever (FMF). Also called: POLYSEROSITIS, FAMILIAL PAROXYSMAL; POLYSEROSITIS, RECURRENT; Periodic peritonitis; Benign paroxysmal peritonitis. Identifiers: Orphanet 342, MedGen C0031069, MONDO:0018088, OMIM 249100. Disease mechanism: gain of function.

Submission:

Labcorp Genetics (formerly Invitae), Labcorp
Classification: Uncertain significance for Familial Mediterranean fever. Last evaluated: 2025-03-12. Review status: criteria provided, single submitter. Criteria: Invitae Variant Classification Sherloc (09022015). Collection method: clinical testing. Allele origin: germline.
Comment: This sequence change falls in intron 3 of the MEFV gene. It does not directly change the encoded amino acid sequence of the MEFV protein. This variant is not present in population databases (gnomAD no frequency). This variant has not been reported in the literature in individuals affected with MEFV-related conditions. Algorithms developed to predict the effect of sequence changes on RNA splicing suggest that this variant may disrupt the consensus splice site. In summary, the available evidence is currently insufficient to determine the role of this variant in disease. Therefore, it has been classified as a Variant of Uncertain Significance.